The following is an entry in ClinVar:

NM_153026.3(PRICKLE1):c.352T>C (p.Ser118Pro)

Gene: PRICKLE1 (prickle planar cell polarity protein 1; minus strand). Cytogenetic location: 12q12.
Variant type: single nucleotide variant.
Coding change: c.352T>C on transcript NM_153026.3 (MANE Select); coding-DNA position 352, T replaced by C.
Protein change: p.Ser118Pro; replaces serine 118 with proline.
Molecular consequence: missense variant.
Genome position (GRCh38, 1-based): chr12:42,469,482, A>G on the plus strand (T>C on the coding strand, the complement: PRICKLE1 is on the minus strand). VCF-style: chr12-42469482-A-G. GRCh37 (hg19) VCF-style: chr12-42863284-A-G.
Other names: c.352T>C, p.Ser118Pro (NM_001144881.2, NM_001144882.2, NM_001144883.2); short protein forms S118P.
Identifiers: ClinVar variation 1038187 (VCV001038187.6), dbSNP rs755590703, ClinGen allele CA384444173.

ClinVar aggregate classification (germline): Uncertain significance (1 of 4 stars; one submission).

Conditions:
Epilepsy, progressive myoclonic, 1B. Also called: PME. Identifiers: Orphanet 308, MedGen C2676254, MONDO:0012904, OMIM 612437.

Allele frequency attached by ClinVar (database versions not stated): gnomAD exomes below 0.00001; TOPMed below 0.00001; gnomAD 0.00001.
gnomAD v4.1: 2 of 1,614,060 alleles (0.00012%); highest among the groups gnomAD compares: Admixed American, 0.0033%; no homozygotes.

Submission:

Labcorp Genetics (formerly Invitae), Labcorp
Classification: Uncertain significance for Epilepsy, progressive myoclonic, 1B. Last evaluated: 2021-08-31. Review status: criteria provided, single submitter. Criteria: Invitae Variant Classification Sherloc (09022015). Collection method: clinical testing. Allele origin: germline.
Comment: This sequence change replaces serine with proline at codon 118 of the PRICKLE1 protein (p.Ser118Pro). The serine residue is highly conserved and there is a moderate physicochemical difference between serine and proline. This variant is not present in population databases (ExAC no frequency). This variant has not been reported in the literature in individuals affected with PRICKLE1-related conditions. Algorithms developed to predict the effect of missense changes on protein structure and function (SIFT, PolyPhen-2, Align-GVGD) all suggest that this variant is likely to be tolerated. In summary, the available evidence is currently insufficient to determine the role of this variant in disease. Therefore, it has been classified as a Variant of Uncertain Significance.